The following is an entry in ClinVar:

NM_153240.5(NPHP3):c.1582G>A (p.Val528Met)

Genes: NPHP3 (nephrocystin 3; minus strand), NPHP3-ACAD11 (NPHP3-ACAD11 readthrough (NMD candidate); minus strand). Cytogenetic location: 3q22.1.
Variant type: single nucleotide variant.
Coding change: c.1582G>A on transcript NM_153240.5 (MANE Select); coding-DNA position 1582, G replaced by A.
Protein change: p.Val528Met; replaces valine 528 with methionine.
Molecular consequence: missense variant. On other transcripts: non-coding transcript variant (1).
Genome position (GRCh38, 1-based): chr3:132,701,476, C>T on the plus strand (G>A on the coding strand, the complement: NPHP3 is on the minus strand). VCF-style: chr3-132701476-C-T. GRCh37 (hg19) VCF-style: chr3-132420320-C-T.
Other names: short protein forms V528M.
Identifiers: ClinVar variation 2252154 (VCV002252154.4), dbSNP rs373000939, ClinGen allele CA2622255.
Genomic context (GRCh38, chr3:132,701,476, plus strand): 5'-GCACTGCATCATACCACTTTGATAAAAGAAGAGACTTCCCAGAACCTGGTCCTCCAGACA[C>T]GAGAAGAGGTGGAATCGGGGCTGGTGCTGCCACTAGATCATTAAGGCGTTGGTAATACTA-3'
Protein context (NP_694972.3, residues 518-538): AAPAPIPPLL[Val528Met]SGGPGSGKSL

ClinVar aggregate classification (germline): Uncertain significance. Review status: criteria provided, multiple submitters, no conflicts (2 of 4 stars). 3 submissions from 3 submitters: Uncertain significance (2). 1 of the submissions does not count toward it. Last evaluated 2021-12-21.

Conditions:
Inborn genetic diseases. Identifiers: MedGen C0950123, MeSH D030342.
NPHP3-related disorder. Also called: NPHP3-related disorders; NPHP3-related condition. Identifiers: MedGen CN379163.

Allele frequency attached by ClinVar (database versions not stated): ExAC 0.00001; TOPMed 0.00001; gnomAD exomes 0.00002; ESP Exome Variant Server 0.00008.
gnomAD v4.1: 29 of 1,613,632 alleles (0.0018%); highest among the groups gnomAD compares: Non-Finnish European, 0.0023%; no homozygotes.

Submissions (3):

Blueprint Genetics
Classification: Uncertain significance. Last evaluated: 2021-12-21. Review status: criteria provided, single submitter. Criteria: ACMG Guidelines, 2015. Collection method: clinical testing. Allele origin: germline.

Ambry Genetics
Classification: Uncertain significance for Inborn genetic diseases. Last evaluated: 2021-09-27. Review status: criteria provided, single submitter. Criteria: Ambry Variant Classification Scheme 2023. Collection method: clinical testing. Allele origin: germline.

PreventionGenetics, part of Exact Sciences
Classification: Uncertain significance for NPHP3-related condition. Last evaluated: 2024-08-23. Review status: no assertion criteria provided. Collection method: clinical testing. Allele origin: germline. Not counted in ClinVar's aggregate classification.
Comment: The NPHP3 c.1582G>A variant is predicted to result in the amino acid substitution p.Val528Met. To our knowledge, this variant has not been reported in the literature. This variant is reported in 0.0018% of alleles in individuals of European (Non-Finnish) descent in gnomAD. At this time, the clinical significance of this variant is uncertain due to the absence of conclusive functional and genetic evidence.